The following is an entry in ClinVar:

ClinVar aggregate classification (germline): Benign/Likely benign. Review status: criteria provided, multiple submitters, no conflicts (2 of 4 stars). 5 submissions from 5 submitters: Benign (1); Likely benign (4). Last evaluated 2026-07-01.

Conditions:
Autoinflammatory syndrome. Identifiers: Orphanet 93665, MedGen C3890737, MONDO:0019751.

Allele frequency attached by ClinVar (database versions not stated): 1000 Genomes Project 30x 0.00265; 1000 Genomes Project 0.00280; gnomAD exomes 0.00373; TOPMed 0.00395; ExAC 0.00415; ESP Exome Variant Server 0.00469; gnomAD 0.00475.
gnomAD v4.1: 9,659 of 1,603,548 alleles (0.6%); highest among the groups gnomAD compares: Non-Finnish European, 0.73%; 25 homozygotes.

Submissions (5):

CeGaT Center for Human Genetics Tuebingen
Classification: Likely benign. Last evaluated: 2026-07-01. Review status: criteria provided, single submitter. Criteria: CeGaT Center For Human Genetics Tuebingen Variant Classification Criteria Version 2. Collection method: clinical testing. Allele origin: germline. Affected: yes. Observed: 13 variant alleles.
Comment: LYST: BP4, BS2

Mayo Clinic Laboratories, Mayo Clinic
Classification: Likely benign. Last evaluated: 2025-01-31. Review status: criteria provided, single submitter. Criteria: ACMG Guidelines, 2015. Collection method: clinical testing. Allele origin: germline. Observed: 33 variant alleles.
Comment: BA1

Blueprint Genetics
Classification: Likely benign. Last evaluated: 2024-11-25. Review status: criteria provided, single submitter. Criteria: ACMG Guidelines, 2015. Collection method: clinical testing. Allele origin: germline.

Genome Diagnostics Laboratory, The Hospital for Sick Children
Classification: Likely benign for Autoinflammatory syndrome. Last evaluated: 2021-09-16. Review status: criteria provided, single submitter. Criteria: ACMG Guidelines, 2015. Collection method: clinical testing. Allele origin: germline. Affected: yes.

PreventionGenetics, part of Exact Sciences
Classification: Benign. Review status: criteria provided, single submitter. Criteria: ACMG Guidelines, 2015. Collection method: clinical testing. Allele origin: germline.

NM_000081.4(LYST):c.-5C>T

Gene: LYST (lysosomal trafficking regulator; minus strand). Cytogenetic location: 1q42.3.
Variant type: single nucleotide variant.
Coding change: c.-5C>T on transcript NM_000081.4 (MANE Select); 5 bases upstream of the start codon, C replaced by T.
Molecular consequence: 5 prime UTR variant. On other transcripts: non-coding transcript variant (1).
Genome position (GRCh38, 1-based): chr1:235,830,422, G>A on the plus strand (C>T on the coding strand, the complement: LYST is on the minus strand). VCF-style: chr1-235830422-G-A. GRCh37 (hg19) VCF-style: chr1-235993722-G-A.
Other names: c.-5C>T (NM_001301365.1).
Identifiers: ClinVar variation 254905 (VCV000254905.52), dbSNP rs141317482, ClinGen allele CA1467760.